The following is an entry in ClinVar:

NM_002427.4(MMP13):c.1091A>G (p.Glu364Gly)

Gene: MMP13 (matrix metallopeptidase 13; minus strand). Cytogenetic location: 11q22.2.
Variant type: single nucleotide variant.
Coding change: c.1091A>G on transcript NM_002427.4 (MANE Select); coding-DNA position 1091, A replaced by G.
Protein change: p.Glu364Gly; replaces glutamic acid 364 with glycine.
Molecular consequence: missense variant.
Genome position (GRCh38, 1-based): chr11:102,948,011, T>C on the plus strand (A>G on the coding strand, the complement: MMP13 is on the minus strand). VCF-style: chr11-102948011-T-C. GRCh37 (hg19) VCF-style: chr11-102818740-T-C.
Other names: short protein forms E364G.
Identifiers: ClinVar variation 4745027 (VCV004745027.1).
Genomic context (GRCh38, chr11:102,948,011, plus strand): 5'-GCACTTATCTTCTTAACTTCTTTTGGAAGACCCAGTTCAGATATTTTTTTGGGATAACCT[T>C]CCAGAATGTCATAACCATTAAGAGCCCAAAATTTTCTACCTGGAATGAGTGAAATAACAG-3'
Protein context (NP_002418.1, residues 354-374): FWALNGYDIL[Glu364Gly]GYPKKISELG

ClinVar aggregate classification (germline): Uncertain significance (1 of 4 stars; one submission).

gnomAD v4.1: 2 of 1,613,690 alleles (0.00012%); highest among the groups gnomAD compares: African/African-American, 0.0027%; no homozygotes.

Submission:

Labcorp Genetics (formerly Invitae), Labcorp
Classification: Uncertain significance. Last evaluated: 2025-04-18. Review status: criteria provided, single submitter. Criteria: Invitae Variant Classification Sherloc (09022015). Collection method: clinical testing. Allele origin: germline.
Comment: This sequence change replaces glutamic acid, which is acidic and polar, with glycine, which is neutral and non-polar, at codon 364 of the MMP13 protein (p.Glu364Gly). This variant is present in population databases (no rsID available, gnomAD 0.01%). This variant has not been reported in the literature in individuals affected with MMP13-related conditions. Invitae Evidence Modeling of protein sequence and biophysical properties (such as structural, functional, and spatial information, amino acid conservation, physicochemical variation, residue mobility, and thermodynamic stability) indicates that this missense variant is not expected to disrupt MMP13 protein function with a negative predictive value of 80%. In summary, the available evidence is currently insufficient to determine the role of this variant in disease. Therefore, it has been classified as a Variant of Uncertain Significance.